The following is an entry in ClinVar:

NM_002468.5(MYD88):c.511G>A (p.Asp171Asn)

Gene: MYD88 (MYD88 innate immune signal transduction adaptor; plus strand). Cytogenetic location: 3p22.2.
Variant type: single nucleotide variant.
Coding change: c.511G>A on transcript NM_002468.5 (MANE Select); coding-DNA position 511, G replaced by A.
Protein change: p.Asp171Asn; replaces aspartic acid 171 with asparagine.
Molecular consequence: missense variant. On other transcripts: intron variant (2).
Genome position (GRCh38, 1-based): chr3:38,140,435, G>A. VCF-style: chr3-38140435-G-A. GRCh37 (hg19) VCF-style: chr3-38181926-G-A.
Other names: c.511G>A, p.Asp171Asn (NM_001172567.2, NM_001365876.1); c.376G>A, p.Asp126Asn (NM_001172568.2, NM_001365877.1); c.464-322G>A (NM_001172569.3); c.329-322G>A (NM_001172566.2); short protein forms D171N, D126N.
Identifiers: ClinVar variation 574389 (VCV000574389.6), dbSNP rs1559484615, ClinGen allele CA352132433.

ClinVar aggregate classification (germline): Uncertain significance (1 of 4 stars; one submission).

Conditions:
Pyogenic bacterial infections due to MyD88 deficiency (IMD68). Also called: PYOGENIC BACTERIAL INFECTIONS, RECURRENT, DUE TO MYD88 DEFICIENCY. Identifiers: Orphanet 183713, MedGen C2677092, MONDO:0012839, OMIM 612260.

Allele frequency attached by ClinVar (database versions not stated): gnomAD exomes below 0.00001.

Submission:

Labcorp Genetics (formerly Invitae), Labcorp
Classification: Uncertain significance for Pyogenic bacterial infections due to MyD88 deficiency. Last evaluated: 2022-03-16. Review status: criteria provided, single submitter. Criteria: Invitae Variant Classification Sherloc (09022015). Collection method: clinical testing. Allele origin: germline.
Comment: Algorithms developed to predict the effect of missense changes on protein structure and function are either unavailable or do not agree on the potential impact of this missense change (SIFT: "Deleterious"; PolyPhen-2: "Probably Damaging"; Align-GVGD: "Class C15"). ClinVar contains an entry for this variant (Variation ID: 574389). This variant has not been reported in the literature in individuals affected with MYD88-related conditions. This variant is not present in population databases (gnomAD no frequency). This sequence change replaces aspartic acid, which is acidic and polar, with asparagine, which is neutral and polar, at codon 184 of the MYD88 protein (p.Asp184Asn). In summary, the available evidence is currently insufficient to determine the role of this variant in disease. Therefore, it has been classified as a Variant of Uncertain Significance.